The following is an entry in ClinVar:

ClinVar aggregate classification (germline): Likely benign. Review status: criteria provided, multiple submitters, no conflicts (2 of 4 stars). 5 submissions from 5 submitters: Likely benign (4). 1 of the submissions does not count toward it. Last evaluated 2026-09-25.

Conditions:
TSC2-related disorder. Also called: TSC2-Related Disorders; TSC2-related condition.
Hereditary cancer-predisposing syndrome. Also called: Hereditary Cancer Syndrome; Neoplastic Syndromes, Hereditary; Hereditary neoplastic syndrome; Tumor predisposition. Identifiers: Orphanet 140162, MedGen C0027672, MeSH D009386, MONDO:0015356.
Tuberous sclerosis syndrome (TSC). Also called: Tuberous Sclerosis Complex; Tuberous sclerosis. Identifiers: Orphanet 805, MedGen C0041341, MONDO:0001734.
Tuberous sclerosis 2 (TSC2). Identifiers: Orphanet 805, MedGen C1860707, MONDO:0013199, OMIM 613254.

Allele frequency attached by ClinVar (database versions not stated): gnomAD exomes below 0.00001 and 0.00001.
gnomAD v4.1: 7 of 1,612,986 alleles (0.00043%); highest among the groups gnomAD compares: Non-Finnish European, 0.00059%; no homozygotes.

Submissions (5):

PreventionGenetics, part of Exact Sciences
Classification: Likely benign for TSC2-related condition. Last evaluated: 2026-09-25. Review status: criteria provided, single submitter. Criteria: ACMG Guidelines, 2015. Collection method: clinical testing. Allele origin: germline.
Comment: This variant is classified as likely benign based on ACMG/AMP sequence variant interpretation guidelines (Richards et al. 2015 PMID: 25741868, with internal and published modifications).

Labcorp Genetics (formerly Invitae), Labcorp
Classification: Likely benign for Tuberous sclerosis 2. Last evaluated: 2025-08-24. Review status: criteria provided, single submitter. Criteria: Invitae Variant Classification Sherloc (09022015). Collection method: clinical testing. Allele origin: germline.

Ambry Genetics
Classification: Likely benign for Hereditary cancer-predisposing syndrome. Last evaluated: 2022-10-13. Review status: criteria provided, single submitter. Criteria: Ambry Variant Classification Scheme 2023. Collection method: clinical testing. Allele origin: germline.

Genome-Nilou Lab
Classification: Likely benign for Tuberous sclerosis 2. Last evaluated: 2021-11-07. Review status: criteria provided, single submitter. Criteria: ACMG Guidelines, 2015. Collection method: clinical testing. Allele origin: germline. Affected: no.

Tuberous sclerosis database (TSC2)
No classification provided. Condition: TSC. Review status: no classification provided. Criteria: Tuberous Sclerosis Database Assertion Criteria 2015. Collection method: curation. Allele origin: germline. Affected: yes. Not counted in ClinVar's aggregate classification.

Literature cited by the submitters: PubMed 23514105 (cited by Ambry Genetics).

NM_000548.5(TSC2):c.3037G>A (p.Asp1013Asn)

Gene: TSC2 (TSC complex subunit 2; plus strand). Cytogenetic location: 16p13.3.
Variant type: single nucleotide variant.
Coding change: c.3037G>A on transcript NM_000548.5 (MANE Select); coding-DNA position 3037, G replaced by A.
Protein change: p.Asp1013Asn; replaces aspartic acid 1013 with asparagine.
Molecular consequence: missense variant.
Genome position (GRCh38, 1-based): chr16:2,079,102, G>A. VCF-style: chr16-2079102-G-A. GRCh37 (hg19) VCF-style: chr16-2129103-G-A.
Other names: c.2905G>A, p.Asp969Asn (NM_001077183.3, NM_001370404.1); c.3037G>A, p.Asp1013Asn (NM_001114382.3); c.2797G>A, p.Asp933Asn (NM_001318827.2); c.2761G>A, p.Asp921Asn (NM_001318829.2); c.2305G>A, p.Asp769Asn (NM_001318831.2); c.2938G>A, p.Asp980Asn (NM_001318832.2); c.2908G>A, p.Asp970Asn (NM_001363528.2, NM_001370405.1, NM_021055.3); c.3037G>A (NM_000548.4); short protein forms D1013N, D921N, D969N, D970N, D980N, D933N, D769N.
Identifiers: ClinVar variation 50171 (VCV000050171.18), dbSNP rs45517279, ClinGen allele CA018445.